The following is an entry in ClinVar:

ClinVar aggregate classification (germline): Pathogenic (1 of 4 stars; one submission).

Conditions:
Developmental and epileptic encephalopathy, 29 (DEE29). Also called: Epileptic encephalopathy, early infantile, 29. Identifiers: Orphanet 442835, MedGen C4225361, MONDO:0014593, OMIM 616339.

Submission:

Women's Health and Genetics/Laboratory Corporation of America, LabCorp
Classification: Pathogenic for Developmental and epileptic encephalopathy, 29. Last evaluated: 2025-04-15. Review status: criteria provided, single submitter. Criteria: LabCorp Variant Classification Summary - May 2015. Collection method: clinical testing. Allele origin: germline.
Comment: Variant summary: The variant involves the deletion of exons 5-11 in the AARS1 gene. A presumed nomenclature of c.(479+1_480-1)_(1492+1_1493-1)del has been designated for the purposes of this classification. This Copy Number Variant (CNV) is expected to alter the reading frame and predicted to result in a truncation or absence of the encoded protein due to nonsense mediated decay (NMD). The variant was absent in 21694 control chromosomes. To our knowledge, no occurrence of c.(479+1_480-1)_(1492+1_1493-1)del in individuals affected with Developmental and epileptic encephalopathy, 29 and no experimental evidence demonstrating its impact on protein function have been reported. No submitters have cited clinical-significance assessments for this variant to ClinVar. Based on the evidence outlined above, the variant was classified as pathogenic.

NC_000016.9:g.(70296428_70298860)_(70305876_70310388)del

Gene: AARS1 (alanyl-tRNA synthetase 1; minus strand). Cytogenetic location: 16q22.1.
Variant type: Deletion.
Identifiers: ClinVar variation 3896280 (VCV003896280.2).